The following is an entry in ClinVar:

NM_001355436.2(SPTB):c.414T>C (p.Ile138=)

Gene: SPTB (spectrin beta, erythrocytic; minus strand). Cytogenetic location: 14q23.3.
Variant type: single nucleotide variant.
Coding change: c.414T>C on transcript NM_001355436.2 (MANE Select); coding-DNA position 414, T replaced by C.
Protein change: p.Ile138=; no amino-acid change (isoleucine 138 retained).
Molecular consequence: synonymous variant.
Genome position (GRCh38, 1-based): chr14:64,803,667, A>G on the plus strand (T>C on the coding strand, the complement: SPTB is on the minus strand). VCF-style: chr14-64803667-A-G. GRCh37 (hg19) VCF-style: chr14-65270385-A-G.
Other names: p.Ile138=; c.414T>C, p.Ile138= (NM_001024858.4, NM_001355437.2).
Identifiers: ClinVar variation 313779 (VCV000313779.34), dbSNP rs139699062, ClinGen allele CA7231457.
Genomic context (GRCh38, chr14:64,803,667, plus strand): 5'-CTGGAAGCGGAGGATGATGGTCCAGATGAGGCCCAGGACCAGGCGGTGGTTGCCATCTAC[A>G]ATGTCGTGGGAGCCCATGTTCTCCAGGTGTACACGCTGCTCCTTGAGGAACTGGAGAGCC-3'
Protein context (NP_001342365.1, residues 128-148): VHLENMGSHD[Ile138=]VDGNHRLVLG

ClinVar aggregate classification (germline): Benign/Likely benign. Review status: criteria provided, multiple submitters, no conflicts (2 of 4 stars). 4 submissions from 4 submitters: Benign (1); Likely benign (3). Last evaluated 2025-10-18.

Allele frequency attached by ClinVar (database versions not stated): gnomAD exomes 0.00010 and 0.00029; ExAC 0.00032; ESP Exome Variant Server 0.00085; gnomAD 0.00123 and 0.00130; TOPMed 0.00140; 1000 Genomes Project 0.00160; 1000 Genomes Project 30x 0.00187.
gnomAD v4.1: 331 of 1,614,024 alleles (0.021%); highest among the groups gnomAD compares: African/African-American, 0.41%; no homozygotes.

Submissions (4):

Labcorp Genetics (formerly Invitae), Labcorp
Classification: Benign. Last evaluated: 2025-10-18. Review status: criteria provided, single submitter. Criteria: Invitae Variant Classification Sherloc (09022015). Collection method: clinical testing. Allele origin: germline.

Mayo Clinic Laboratories, Mayo Clinic
Classification: Likely benign. Last evaluated: 2025-08-07. Review status: criteria provided, single submitter. Criteria: ACMG Guidelines, 2015. Collection method: clinical testing. Allele origin: germline. Observed: 3 variant alleles.

Blueprint Genetics
Classification: Likely benign. Last evaluated: 2024-07-05. Review status: criteria provided, single submitter. Criteria: ACMG Guidelines, 2015. Collection method: clinical testing. Allele origin: germline.

CeGaT Center for Human Genetics Tuebingen
Classification: Likely benign. Last evaluated: 2022-12-01. Review status: criteria provided, single submitter. Criteria: CeGaT Center For Human Genetics Tuebingen Variant Classification Criteria Version 2. Collection method: clinical testing. Allele origin: germline. Affected: yes. Observed: 1 variant allele.
Comment: SPTB: BP4, BP7